The following is an entry in ClinVar:

NM_000264.5(PTCH1):c.1508T>G (p.Leu503Trp)

Gene: PTCH1 (patched 1; minus strand). Cytogenetic location: 9q22.32.
Variant type: single nucleotide variant.
Coding change: c.1508T>G on transcript NM_000264.5 (MANE Select); coding-DNA position 1508, T replaced by G.
Protein change: p.Leu503Trp; replaces leucine 503 with tryptophan.
Molecular consequence: missense variant. On other transcripts: non-coding transcript variant (1).
Genome position (GRCh38, 1-based): chr9:95,476,853, A>C on the plus strand (T>G on the coding strand, the complement: PTCH1 is on the minus strand). VCF-style: chr9-95476853-A-C. GRCh37 (hg19) VCF-style: chr9-98239135-A-C.
Other names: c.1310T>G, p.Leu437Trp (NM_001083602.3); c.1505T>G, p.Leu502Trp (NM_001083603.3); c.1055T>G, p.Leu352Trp (NM_001083604.3, NM_001083605.3, NM_001083606.3 and 1 more transcripts); c.1352T>G, p.Leu451Trp (NM_001354918.2); short protein forms L352W, L437W, L451W, L502W, L503W.
Identifiers: ClinVar variation 1000665 (VCV001000665.9), dbSNP rs1841078928, ClinGen allele CA374118347.

ClinVar aggregate classification (germline): Uncertain significance (1 of 4 stars; one submission).

Conditions:
Gorlin syndrome. Also called: Nevoid Basal Cell Carcinoma Syndrome; Basal cell nevus syndrome. Identifiers: Orphanet 377, MedGen C0004779, MONDO:0007187.

Submission:

Labcorp Genetics (formerly Invitae), Labcorp
Classification: Uncertain significance for Gorlin syndrome. Last evaluated: 2020-10-13. Review status: criteria provided, single submitter. Criteria: Invitae Variant Classification Sherloc (09022015). Collection method: clinical testing. Allele origin: germline.
Comment: In summary, the available evidence is currently insufficient to determine the role of this variant in disease. Therefore, it has been classified as a Variant of Uncertain Significance. Advanced modeling of protein sequence and biophysical properties (such as structural, functional, and spatial information, amino acid conservation, physicochemical variation, residue mobility, and thermodynamic stability) performed at Invitae indicates that this missense variant is expected to disrupt PTCH1 protein function. This variant has not been reported in the literature in individuals with PTCH1-related conditions. This variant is not present in population databases (ExAC no frequency). This sequence change replaces leucine with tryptophan at codon 503 of the PTCH1 protein (p.Leu503Trp). The leucine residue is moderately conserved and there is a small physicochemical difference between leucine and tryptophan.